The following is an entry in ClinVar:

ClinVar aggregate classification (germline): Pathogenic (1 of 4 stars; one submission).

Submission:

ISCA site 15
Classification: Pathogenic. Last evaluated: 2011-08-12. Review status: criteria provided, single submitter. Criteria: Kaminsky et al. (Genet Med. 2011). Collection method: clinical testing. Allele origin: maternal. Affected: yes. Observed: 1 variant allele.
Comment: Copy number variation identified through the course of routine clinical cytogenomic testing in postnatal populations. Clinical assertions have been curated as described in Kaminsky et al. 2011.

GRCh38/hg38 17p13.3(chr17:445331-2385512)x3

Genes: ABR-AS1 (ABR antisense RNA 1; plus strand), ABR (ABR activator of RhoGEF and GTPase; minus strand), BHLHA9 (basic helix-loop-helix family member a9; plus strand), CRK (CRK proto-oncogene, adaptor protein; minus strand), CRK-AS1 (CRK antisense RNA 1; plus strand) and 167 more. Cytogenetic location: 17p13.3.
Variant type: copy number gain.
Change: copy number 3 (three copies instead of two) of chr17:445,331-2,385,512 (1.94 Mb, GRCh38 coordinates, 1-based), cytogenetic band 17p13.3.
Identifiers: ClinVar variation 58657 (VCV000058657.1).